The following is an entry in ClinVar:

NM_052947.4(ALPK2):c.1013A>G (p.Asp338Gly)

Genes: ALPK2 (alpha kinase 2; minus strand), LOC114803473 (ALPK2 eExon liver enhancer; plus strand). Cytogenetic location: 18q21.31.
Variant type: single nucleotide variant.
Coding change: c.1013A>G on transcript NM_052947.4 (MANE Select); coding-DNA position 1013, A replaced by G.
Protein change: p.Asp338Gly; replaces aspartic acid 338 with glycine.
Molecular consequence: missense variant.
Genome position (GRCh38, 1-based): chr18:58,579,763, T>C on the plus strand (A>G on the coding strand, the complement: ALPK2 is on the minus strand). VCF-style: chr18-58579763-T-C. GRCh37 (hg19) VCF-style: chr18-56246995-T-C.
Other names: short protein forms D338G.
Identifiers: ClinVar variation 3531343 (VCV003531343.1).

ClinVar aggregate classification (germline): Uncertain significance (1 of 4 stars; one submission).

Submission:

Ambry Genetics
Classification: Uncertain significance. Last evaluated: 2024-08-24. Review status: criteria provided, single submitter. Criteria: Ambry Variant Classification Scheme 2023. Collection method: clinical testing. Allele origin: germline.
Comment: The p.D338G variant (also known as c.1013A>G), located in coding exon 3 of the ALPK2 gene, results from an A to G substitution at nucleotide position 1013. The aspartic acid at codon 338 is replaced by glycine, an amino acid with similar properties. This amino acid position is conserved. In addition, the in silico prediction for this alteration is inconclusive. Based on the available evidence, the clinical significance of this variant remains unclear.